The following is an entry in ClinVar:

ClinVar aggregate classification (germline): Likely benign. Review status: criteria provided, multiple submitters, no conflicts (2 of 4 stars). 5 submissions from 5 submitters: Likely benign (4). 1 of the submissions does not count toward it. Last evaluated 2026-09-01.

Conditions:
Developmental and epileptic encephalopathy, 8 (DEE8). Also called: HYPEREKPLEXIA AND EPILEPSY. Identifiers: Orphanet 163985, Orphanet 2076, MedGen C1845102, MONDO:0010375, OMIM 300607.
ARHGEF9-related disorder. Also called: ARHGEF9-related condition.

Allele frequency attached by ClinVar (database versions not stated): ESP Exome Variant Server 0.00009; ExAC 0.00014; TOPMed 0.00014; gnomAD 0.00016; gnomAD exomes 0.00017 and 0.00024; 1000 Genomes Project 0.00026; 1000 Genomes Project 30x 0.00042.
gnomAD v4.1: 289 of 1,209,438 alleles (0.024%); highest among the groups gnomAD compares: Non-Finnish European, 0.026%; 1 homozygote.

Submissions (5):

CeGaT Center for Human Genetics Tuebingen
Classification: Likely benign. Last evaluated: 2026-09-01. Review status: criteria provided, single submitter. Criteria: CeGaT Center For Human Genetics Tuebingen Variant Classification Criteria Version 2. Collection method: clinical testing. Allele origin: germline. Affected: yes. Observed: 1 variant allele.
Comment: ARHGEF9: BP4, BP7, BS2

Labcorp Genetics (formerly Invitae), Labcorp
Classification: Likely benign for Developmental and epileptic encephalopathy, 8. Last evaluated: 2025-11-17. Review status: criteria provided, single submitter. Criteria: Invitae Variant Classification Sherloc (09022015). Collection method: clinical testing. Allele origin: germline.

Blueprint Genetics
Classification: Likely benign. Last evaluated: 2024-11-20. Review status: criteria provided, single submitter. Criteria: ACMG Guidelines, 2015. Collection method: clinical testing. Allele origin: germline.

GeneDx
Classification: Likely benign. Last evaluated: 2016-04-04. Review status: criteria provided, single submitter. Criteria: GeneDx Variant Classification (06012015). Collection method: clinical testing. Allele origin: germline. Affected: yes.
Comment: This variant is considered likely benign or benign based on one or more of the following criteria: it is a conservative change, it occurs at a poorly conserved position in the protein, it is predicted to be benign by multiple in silico algorithms, and/or has population frequency not consistent with disease.

PreventionGenetics, part of Exact Sciences
Classification: Likely benign for ARHGEF9-related condition. Last evaluated: 2019-09-17. Review status: no assertion criteria provided. Collection method: clinical testing. Allele origin: germline. Not counted in ClinVar's aggregate classification.
Comment: This variant is classified as likely benign based on ACMG/AMP sequence variant interpretation guidelines (Richards et al. 2015 PMID: 25741868, with internal and published modifications).

NM_001353921.2(ARHGEF9):c.885G>A (p.Lys295=)

Gene: ARHGEF9 (Cdc42 guanine nucleotide exchange factor 9; minus strand). Cytogenetic location: Xq11.1.
Variant type: single nucleotide variant.
Coding change: c.885G>A on transcript NM_001353921.2 (MANE Select); coding-DNA position 885, G replaced by A.
Protein change: p.Lys295=; no amino-acid change (lysine 295 retained).
Molecular consequence: synonymous variant.
Genome position (GRCh38, 1-based): chrX:63,674,098, C>T on the plus strand (G>A on the coding strand, the complement: ARHGEF9 is on the minus strand). VCF-style: chrX-63674098-C-T. GRCh37 (hg19) VCF-style: chrX-62893978-C-T.
Other names: c.705G>A, p.Lys235= (NM_001173479.2); c.558G>A, p.Lys186= (NM_001173480.2, NM_001369042.1); c.801G>A, p.Lys267= (NM_001330495.2, NM_001353927.2, NM_001369033.1 and 8 more transcripts); c.885G>A, p.Lys295= (NM_001353922.2); c.903G>A, p.Lys301= (NM_001353923.1); c.684G>A, p.Lys228= (NM_001353924.2, NM_001353926.2, NM_001369039.1 and 1 more transcripts); c.864G>A, p.Lys288= (NM_001353928.2, NM_001369030.1, NM_001369031.1 and 2 more transcripts); c.450G>A, p.Lys150= (NM_001369045.1).
Identifiers: ClinVar variation 385131 (VCV000385131.16), dbSNP rs199625034, ClinGen allele CA10431894.
Genomic context (GRCh38, chrX:63,674,098, plus strand): 5'-CTCCCAGTCTAGGACAGAAGCCTGCCACTGAGCAATCTTGTCAATATTCTCTAAACGTCG[C>T]TTGCGTTCGTTGATCTGCTGAGTCACATTTCTCATGACAGCCAAAGCAGCTGCCACATAC-3'
Protein context (NP_001340850.1, residues 285-305): RNVTQQINER[Lys295=]RRLENIDKIA